The following is an entry in ClinVar:

ClinVar aggregate classification (germline): Benign (1 of 4 stars; one submission).

Allele frequency attached by ClinVar (database versions not stated): ExAC 0.00017; gnomAD 0.00027; gnomAD exomes 0.00043; ESP Exome Variant Server 0.00069.

Submission:

CeGaT Center for Human Genetics Tuebingen
Classification: Benign. Last evaluated: 2024-03-01. Review status: criteria provided, single submitter. Criteria: CeGaT Center For Human Genetics Tuebingen Variant Classification Criteria Version 2. Collection method: clinical testing. Allele origin: germline. Affected: yes. Observed: 1 variant allele.
Comment: EPHA7: BS1, BS2

NM_004440.4(EPHA7):c.1112G>A (p.Arg371Gln)

Gene: EPHA7 (EPH receptor A7; minus strand). Cytogenetic location: 6q16.1.
Variant type: single nucleotide variant.
Coding change: c.1112G>A on transcript NM_004440.4 (MANE Select); coding-DNA position 1112, G replaced by A.
Protein change: p.Arg371Gln; replaces arginine 371 with glutamine.
Molecular consequence: missense variant. On other transcripts: non-coding transcript variant (1).
Genome position (GRCh38, 1-based): chr6:93,356,929, C>T on the plus strand (G>A on the coding strand, the complement: EPHA7 is on the minus strand). VCF-style: chr6-93356929-C-T. GRCh37 (hg19) VCF-style: chr6-94066647-C-T.
Other names: c.1112G>A, p.Arg371Gln (NM_001288629.2, NM_001376465.1, NM_001376466.1 and 3 more transcripts); c.884G>A, p.Arg295Gln (NM_001376470.1, NM_001376471.1); short protein forms R295Q, R371Q.
Identifiers: ClinVar variation 3026099 (VCV003026099.22), dbSNP rs138769019, ClinGen allele CA3929269.
Genomic context (GRCh38, chr6:93,356,929, plus strand): 5'-TGGGGCATGTATCCAATGTTACTCCCACAGGGAACACATTCGCCCTGCTCCCAACTGCAC[C>T]GCTTACACAATATTCTGTAGGTCACATCGTTTCTTCCCCCATTGTCTGCAGGAGGACTCC-3'
Protein context (NP_004431.1, residues 361-381): NDVTYRILCK[Arg371Gln]CSWEQGECVP